The following is an entry in ClinVar:

NM_004415.4(DSP):c.3513T>G (p.Ile1171Met)

Gene: DSP (desmoplakin; plus strand). Cytogenetic location: 6p24.3.
Variant type: single nucleotide variant.
Coding change: c.3513T>G on transcript NM_004415.4 (MANE Select); coding-DNA position 3513, T replaced by G.
Protein change: p.Ile1171Met; replaces isoleucine 1171 with methionine.
Molecular consequence: missense variant.
Genome position (GRCh38, 1-based): chr6:7,579,703, T>G. VCF-style: chr6-7579703-T-G. GRCh37 (hg19) VCF-style: chr6-7579936-T-G.
Other names: c.3513T>G, p.Ile1171Met (NM_001008844.3, NM_001319034.2); short protein forms I1171M.
Identifiers: ClinVar variation 1732187 (VCV001732187.2), dbSNP rs1581815772, ClinGen allele CA362684235.

ClinVar aggregate classification (germline): Uncertain significance (1 of 4 stars; one submission).

Conditions:
Cardiovascular phenotype. Identifiers: MedGen CN230736.

Submission:

Ambry Genetics
Classification: Uncertain significance for Cardiovascular phenotype. Last evaluated: 2020-12-15. Review status: criteria provided, single submitter. Criteria: Ambry Variant Classification Scheme 2023. Collection method: clinical testing. Allele origin: germline.
Comment: The p.I1171M variant (also known as c.3513T>G), located in coding exon 23 of the DSP gene, results from a T to G substitution at nucleotide position 3513. The isoleucine at codon 1171 is replaced by methionine, an amino acid with highly similar properties. This amino acid position is well conserved in available vertebrate species. In addition, the in silico prediction for this alteration is inconclusive. Since supporting evidence is limited at this time, the clinical significance of this alteration remains unclear.